The following is an entry in ClinVar:

NM_000530.8(MPZ):c.106A>T (p.Arg36Trp)

Gene: MPZ (myelin protein zero; minus strand). Cytogenetic location: 1q23.3.
Variant type: single nucleotide variant.
Coding change: c.106A>T on transcript NM_000530.8 (MANE Select); coding-DNA position 106, A replaced by T.
Protein change: p.Arg36Trp; replaces arginine 36 with tryptophan.
Molecular consequence: missense variant.
Genome position (GRCh38, 1-based): chr1:161,307,386, T>A on the plus strand (A>T on the coding strand, the complement: MPZ is on the minus strand). VCF-style: chr1-161307386-T-A. GRCh37 (hg19) VCF-style: chr1-161277176-T-A.
Other names: c.106A>T (LRG_256t1); c.106A>T, p.Arg36Trp (NM_001315491.2); short protein forms R36W.
Identifiers: ClinVar variation 221065 (VCV000221065.22), dbSNP rs864622732, ClinGen allele CA348853.

ClinVar aggregate classification (germline): Conflicting classifications of pathogenicity. Review status: criteria provided, conflicting classifications (1 of 4 stars). 8 submissions from 8 submitters: Pathogenic (4); Likely pathogenic (2); Uncertain significance (1). 1 of the submissions does not count toward it. Last evaluated 2026-06-09.

Conditions:
Charcot-Marie-Tooth disease. Also called: Charcot-Marie-Tooth Hereditary Neuropathy; Charcot-Marie-Tooth Neuropathy. Identifiers: Orphanet 166, MedGen C0007959, MONDO:0015626.
Charcot-Marie-Tooth disease, type I (CMT1). Also called: Charcot-Marie-Tooth, Type 1; Charcot-Marie-Tooth disease type 1. Identifiers: Orphanet 65753, MedGen C0751036, MONDO:0019011.
Inborn genetic diseases. Identifiers: MedGen C0950123, MeSH D030342.
Autosomal dominant MPZ-related disorders.

Allele frequency attached by ClinVar (database versions not stated): TOPMed below 0.00001.
gnomAD v4.1: 1 of 1,614,268 alleles (0.000062%); highest among the groups gnomAD compares: Non-Finnish European, 0.000085%; no homozygotes.

Submissions (8):

Ambry Genetics
Classification: Uncertain significance for Inborn genetic diseases. Last evaluated: 2026-06-09. Review status: criteria provided, single submitter. Criteria: Ambry Variant Classification Scheme 2023. Collection method: clinical testing. Allele origin: germline.
Comment: The c.106A>T (p.R36W) alteration is located in exon 2 (coding exon 2) of the MPZ gene. This alteration results from a A to T substitution at nucleotide position 106, causing the arginine (R) at amino acid position 36 to be replaced by a tryptophan (W). This variant was not reported in population-based cohorts in the Genome Aggregation Database (gnomAD). This variant was reported in individual(s) with features consistent with MPZ-related neuropathic disorders (Burns, 2006; Houlden, 2009, external communication). This amino acid position is not well conserved in available vertebrate species. The in silico prediction for this alteration is inconclusive. Based on insufficient or conflicting evidence, the clinical significance of this alteration remains unclear.

Labcorp Genetics (formerly Invitae), Labcorp
Classification: Pathogenic for Charcot-Marie-Tooth disease, type I. Last evaluated: 2026-01-27. Review status: criteria provided, single submitter. Criteria: Invitae Variant Classification Sherloc (09022015). Collection method: clinical testing. Allele origin: germline.
Comment: This sequence change replaces arginine, which is basic and polar, with tryptophan, which is neutral and slightly polar, at codon 36 of the MPZ protein (p.Arg36Trp). This variant is not present in population databases (gnomAD no frequency). This missense change has been observed in individuals with clinical features of MPZ-related conditions (PMID: 16616847, 26310628). It has also been observed to segregate with disease in related individuals. Invitae Evidence Modeling of clinical and family history, age, sex, and reported ancestry of multiple individuals with this MPZ variant has been performed. This variant is expected to be pathogenic with a positive predictive value of at least 99%. This is a validated machine learning model that incorporates the clinical features of 13,236 individuals referred to our laboratory for MPZ testing. ClinVar contains an entry for this variant (Variation ID: 221065). Invitae Evidence Modeling of protein sequence and biophysical properties (such as structural, functional, and spatial information, amino acid conservation, physicochemical variation, residue mobility, and thermodynamic stability) indicates that this missense variant is not expected to disrupt MPZ protein function with a negative predictive value of 80%. This variant disrupts the p.Arg36 amino acid residue in MPZ. Other variant(s) that disrupt this residue have been determined to be pathogenic (PMID: 14711881, 23279346). This suggests that this residue is clinically significant, and that variants that disrupt this residue are likely to be disease-causing. For these reasons, this variant has been classified as Pathogenic.

Variantyx, Inc.
Classification: Likely pathogenic for Autosomal dominant MPZ-related disorders. Last evaluated: 2025-12-24. Review status: criteria provided, single submitter. Criteria: Variantyx Assertion Criteria 2022. Collection method: clinical testing. Allele origin: germline. Inheritance: Autosomal dominant inheritance. Affected: no.
Comment: This is a nonsynonymous variant in the MPZ gene (OMIM: 159440). Pathogenic variants in this gene have been associated with autosomal dominant MPZ-related disorders. This variant has been reported in several unrelated affected individuals (PMID: 16616847, 36203352, 18636082) (PS4_Moderate). Computational algorithms produce conflicting evidence regarding the predicted functional impact of this variant (REVEL score: 0.548), but functional studies have shown that this variant alters MPZ protein function (PMID: 29687021) (PS3). Moreover, the alteration lies within a known hotspot for pathogenic variants or a well-established critical functional domain of the MPZ protein (PM1). This variant has a 0.0001% maximum allele frequency in non-founder control populations (PM2). Based on the current evidence, this variant is classified as likely pathogenic for autosomal dominant MPZ-related disorders.

GeneDx
Classification: Pathogenic. Last evaluated: 2025-02-12. Review status: criteria provided, single submitter. Criteria: GeneDx Variant Classification Process June 2021. Collection method: clinical testing. Allele origin: germline. Affected: yes.
Comment: Reported previously in patient with acute onset painful polyneuropathy; Published functional studies demonstrate that R36W alters the normal MPZ function (PMID: 29687021); Missense variants in this gene are often considered pathogenic (HGMD); Not observed at significant frequency in large population cohorts (gnomAD); In silico analysis supports that this missense variant has a deleterious effect on protein structure/function; This variant is associated with the following publications: (PMID: 16616845, 26310628, 22704856, 23279346, 18636082, 14711881, 31278453, 33179255, 33359733, 33386210, 20461396, 36203352, 29687021, 16616847)

ARUP Laboratories, Molecular Genetics and Genomics, ARUP Laboratories
Classification: Likely pathogenic. Last evaluated: 2024-05-31. Review status: criteria provided, single submitter. Criteria: ARUP Molecular Germline Variant Investigation Process 2024. Collection method: clinical testing. Allele origin: germline.
Comment: The MPZ c.106A>T; p.Arg36Trp variant (rs864622732; ClinVar ID: 221065) is reported in the literature in several individuals and families affected with hereditary neuropathy, often with late-onset (Burns 2006, Fridman 2023, Sanmaneechai 2015). This variant is absent from the Genome Aggregation Database (v2.1.1), indicating it is not a common polymorphism. Computational analyses are uncertain whether this variant is neutral or deleterious (REVEL: 0.548); however, functional studies in cultured cells indicate the variant leads to activation of the unfolded protein response similar to other pathogenic MPZ variants (Bai 2018). Based on available information, the p.Arg36Trp variant is considered to be likely pathogenic. References: Bai Y et al. Myelin protein zero mutations and the unfolded protein response in Charcot Marie Tooth disease type 1B. Ann Clin Transl Neurol. 2018 Mar 10;5(4):445-455. PMID: 29687021. Burns TM et al. Novel myelin protein zero mutation (Arg36Trp) in a patient with acute onset painful neuropathy. Neuromuscul Disord. 2006 May;16(5):308-10. PMID: 16616847. Fridman V et al. Disease Progression in Charcot-Marie-Tooth Disease Related to MPZ Mutations: A Longitudinal Study. Ann Neurol. 2023 Mar;93(3):563-576. PMID: 36203352. Sanmaneechai O et al. Genotype-phenotype characteristics and baseline natural history of heritable neuropathies caused by mutations in the MPZ gene. Brain. 2015 Nov;138(Pt 11):3180-92. PMID: 26310628.

Mayo Clinic Laboratories, Mayo Clinic
Classification: Pathogenic. Last evaluated: 2022-12-23. Review status: criteria provided, single submitter. Criteria: ACMG Guidelines, 2015. Collection method: clinical testing. Allele origin: germline. Observed: 2 variant alleles.
Comment: PS3, PS4, PM2, PM1, PP1

Athena Diagnostics
Classification: Pathogenic. Last evaluated: 2021-05-19. Review status: criteria provided, single submitter. Criteria: Athena Diagnostics Criteria. Collection method: clinical testing. Allele origin: unknown.
Comment: This variant has not been reported in large, multi-ethnic general populations. This variant has been identified in at least one individual with clinical features associated with this gene. This variant occurs as the most likely explanation for disease in a significant number of internal cases, suggesting this variant is associated with disease. The variant is located in a region that is considered important for protein function and/or structure.

Inherited Neuropathy Consortium
Classification: Uncertain significance for Charcot-Marie-Tooth disease. Review status: no assertion criteria provided. Collection method: literature only. Allele origin: germline. Affected: yes. Not counted in ClinVar's aggregate classification.

Literature cited by the submitters: PubMed 16616847 (cited by 4 submitters); PubMed 18636082 (cited by 3 submitters); PubMed 26310628 (cited by Labcorp Genetics (formerly Invitae), Labcorp and Athena Diagnostics); PubMed 14711881 (cited by Labcorp Genetics (formerly Invitae), Labcorp); PubMed 23279346 (cited by Labcorp Genetics (formerly Invitae), Labcorp); PubMed 36203352 (cited by Variantyx, Inc.); PubMed 29687021 (cited by Variantyx, Inc.); PubMed 16616845 (cited by Inherited Neuropathy Consortium).